The following is an entry in ClinVar:

ClinVar aggregate classification (germline): Likely benign. Review status: criteria provided, multiple submitters, no conflicts (2 of 4 stars). 3 submissions from 3 submitters: Likely benign (3). Last evaluated 2025-10-20.

Conditions:
Developmental delay, hypotonia, musculoskeletal defects, and behavioral abnormalities. Identifiers: MedGen C5562012, MONDO:0859202, OMIM 619595.
Floating-Harbor syndrome (FLHS). Also called: Short stature with delayed bone age, expressive language delay, a triangular face with a prominent nose and deep-set eyes; Pelletier-Leisti syndrome; SRCAP-Related Floating-Harbor Syndrome. Identifiers: Orphanet 2044, MedGen C0729582, MONDO:0007621, OMIM 136140.

Allele frequency attached by ClinVar (database versions not stated): gnomAD exomes 0.00010; 1000 Genomes Project 30x 0.00016; ExAC 0.00017; 1000 Genomes Project 0.00020; ESP Exome Variant Server 0.00054; gnomAD 0.00062 and 0.00067; TOPMed 0.00068.
gnomAD v4.1: 160 of 1,611,384 alleles (0.0099%); highest among the groups gnomAD compares: African/African-American, 0.2%; no homozygotes.

Submissions (3):

Labcorp Genetics (formerly Invitae), Labcorp
Classification: Likely benign. Last evaluated: 2025-10-20. Review status: criteria provided, single submitter. Criteria: Invitae Variant Classification Sherloc (09022015). Collection method: clinical testing. Allele origin: germline.

CeGaT Center for Human Genetics Tuebingen
Classification: Likely benign. Last evaluated: 2023-12-01. Review status: criteria provided, single submitter. Criteria: CeGaT Center For Human Genetics Tuebingen Variant Classification Criteria Version 2. Collection method: clinical testing. Allele origin: germline. Affected: yes. Observed: 1 variant allele.
Comment: SRCAP: BP4, BS1

Fulgent Genetics
Classification: Likely benign for Floating-Harbor syndrome; Developmental delay, hypotonia, musculoskeletal defects, and behavioral abnormalities. Last evaluated: 2022-05-24. Review status: criteria provided, single submitter. Criteria: ACMG Guidelines, 2015. Collection method: clinical testing. Allele origin: unknown.

NM_006662.3(SRCAP):c.1134+6G>C

Gene: SRCAP (Snf2 related CREBBP activator protein; plus strand). Cytogenetic location: 16p11.2.
Variant type: single nucleotide variant.
Coding change: c.1134+6G>C on transcript NM_006662.3 (MANE Select); 6 bases into the intron after coding-DNA position 1134, G replaced by C.
Molecular consequence: intron variant.
Genome position (GRCh38, 1-based): chr16:30,710,134, G>C. VCF-style: chr16-30710134-G-C. GRCh37 (hg19) VCF-style: chr16-30721455-G-C.
Identifiers: ClinVar variation 728889 (VCV000728889.33), dbSNP rs143387966, ClinGen allele CA8010828.